The following is an entry in ClinVar:

ClinVar aggregate classification (germline): Uncertain significance (1 of 4 stars; one submission).

Allele frequency attached by ClinVar (database versions not stated): ExAC 0.00001; TOPMed 0.00001; gnomAD 0.00002; ESP Exome Variant Server 0.00008.
gnomAD v4.1: 22 of 1,612,798 alleles (0.0014%); highest among the groups gnomAD compares: African/African-American, 0.0027%; no homozygotes.

Submission:

Greenwood Genetic Center Diagnostic Laboratories, Greenwood Genetic Center
Classification: Uncertain significance. Last evaluated: 2023-11-01. Review status: criteria provided, single submitter. Criteria: ACMG Guidelines, 2015. Collection method: clinical testing. Allele origin: germline. Affected: yes.
Comment: PM2, BP4

NM_015001.3(SPEN):c.862A>G (p.Ser288Gly)

Gene: SPEN (spen family transcriptional repressor; plus strand). Cytogenetic location: 1p36.21.
Variant type: single nucleotide variant.
Coding change: c.862A>G on transcript NM_015001.3 (MANE Select); coding-DNA position 862, A replaced by G.
Protein change: p.Ser288Gly; replaces serine 288 with glycine.
Molecular consequence: missense variant.
Genome position (GRCh38, 1-based): chr1:15,876,659, A>G. VCF-style: chr1-15876659-A-G. GRCh37 (hg19) VCF-style: chr1-16203154-A-G.
Other names: short protein forms S288G.
Identifiers: ClinVar variation 2692585 (VCV002692585.1), dbSNP rs371912619, ClinGen allele CA618947.